The following is an entry in ClinVar:

NM_178452.6(DNAAF1):c.1664A>T (p.Asp555Val)

Gene: DNAAF1 (dynein axonemal assembly factor 1; plus strand). Cytogenetic location: 16q24.1.
Variant type: single nucleotide variant.
Coding change: c.1664A>T on transcript NM_178452.6 (MANE Select); coding-DNA position 1664, A replaced by T.
Protein change: p.Asp555Val; replaces aspartic acid 555 with valine.
Molecular consequence: missense variant.
Genome position (GRCh38, 1-based): chr16:84,174,688, A>T. VCF-style: chr16-84174688-A-T. GRCh37 (hg19) VCF-style: chr16-84208294-A-T.
Other names: c.956A>T, p.Asp319Val (NM_001318756.1); c.1664A>T (NM_178452.5); short protein forms D555V, D319V.
Identifiers: ClinVar variation 320777 (VCV000320777.42), dbSNP rs145973397, ClinGen allele CA8202980.
Genomic context (GRCh38, chr16:84,174,688, plus strand): 5'-GTGTACCTCCCTGGTGATGTGCGGCTCACTTGCTCTTTCAGGACCTACCTGACTTGGAAG[A>T]TGATGATGAAACAGGCAAATCTCTGGAAGACCAGGTTAAGGTCATTAGAAACCATTTTCC-3'
Protein context (NP_848547.4, residues 545-565): FCIDDLPDLE[Asp555Val]DDETGKSLED

ClinVar aggregate classification (germline): Conflicting classifications of pathogenicity. Review status: criteria provided, conflicting classifications (1 of 4 stars). 7 submissions from 7 submitters: Uncertain significance (2); Benign (1); Likely benign (3). 1 of the submissions does not count toward it. Last evaluated 2026-08-01.

Conditions:
DNAAF1-related disorder. Also called: DNAAF1-related condition.
Primary ciliary dyskinesia 13. Also called: CILIARY DYSKINESIA, PRIMARY, 13, WITH OR WITHOUT SITUS INVERSUS. Identifiers: Orphanet 244, MedGen C2750790, MONDO:0013174, OMIM 613193.
Primary ciliary dyskinesia. Also called: Ciliary dyskinesia. Identifiers: Orphanet 244, MedGen C0008780, MONDO:0016575, HP:0012265.

Allele frequency attached by ClinVar (database versions not stated): 1000 Genomes Project 30x 0.00031; 1000 Genomes Project 0.00040; TOPMed 0.00117; ESP Exome Variant Server 0.00154; ExAC 0.00161; gnomAD 0.00169 and 0.00178; gnomAD exomes 0.00170.
gnomAD v4.1: 2,909 of 1,614,180 alleles (0.18%); highest among the groups gnomAD compares: Non-Finnish European, 0.22%; 10 homozygotes.

Submissions (7):

CeGaT Center for Human Genetics Tuebingen
Classification: Likely benign. Last evaluated: 2026-08-01. Review status: criteria provided, single submitter. Criteria: CeGaT Center For Human Genetics Tuebingen Variant Classification Criteria Version 2. Collection method: clinical testing. Allele origin: germline. Affected: yes. Observed: 5 variant alleles.
Comment: DNAAF1: BS2

Labcorp Genetics (formerly Invitae), Labcorp
Classification: Likely benign for Primary ciliary dyskinesia. Last evaluated: 2026-01-22. Review status: criteria provided, single submitter. Criteria: Invitae Variant Classification Sherloc (09022015). Collection method: clinical testing. Allele origin: germline.

GeneDx
Classification: Uncertain significance. Last evaluated: 2025-08-14. Review status: criteria provided, single submitter. Criteria: GeneDx Variant Classification Process June 2021. Collection method: clinical testing. Allele origin: germline. Affected: yes.
Comment: In silico analysis supports that this missense variant has a deleterious effect on protein structure/function; In silico analysis is inconclusive as to whether the variant alters gene splicing. In the absence of RNA/functional studies, the actual effect of this sequence change is unknown.; Has not been previously published as pathogenic or benign to our knowledge

Blueprint Genetics
Classification: Likely benign. Last evaluated: 2024-11-22. Review status: criteria provided, single submitter. Criteria: ACMG Guidelines, 2015. Collection method: clinical testing. Allele origin: germline.

Ambry Genetics
Classification: Benign for Primary ciliary dyskinesia. Last evaluated: 2018-09-05. Review status: criteria provided, single submitter. Criteria: Ambry Variant Classification Scheme 2023. Collection method: clinical testing. Allele origin: germline.

Illumina Laboratory Services, Illumina
Classification: Uncertain significance for Primary ciliary dyskinesia 13. Last evaluated: 2018-01-12. Review status: criteria provided, single submitter. Criteria: ICSL Variant Classification Criteria 13 December 2019. Collection method: clinical testing. Allele origin: germline.

PreventionGenetics, part of Exact Sciences
Classification: Likely benign for DNAAF1-related condition. Last evaluated: 2020-06-11. Review status: no assertion criteria provided. Collection method: clinical testing. Allele origin: germline. Not counted in ClinVar's aggregate classification.
Comment: This variant is classified as likely benign based on ACMG/AMP sequence variant interpretation guidelines (Richards et al. 2015 PMID: 25741868, with internal and published modifications).